The following is an entry in ClinVar:

ClinVar aggregate classification (germline): Uncertain significance. Review status: criteria provided, multiple submitters, no conflicts (2 of 4 stars). 7 submissions from 7 submitters: Uncertain significance (7). Last evaluated 2025-12-29.

Conditions:
Hereditary cancer-predisposing syndrome. Also called: Tumor predisposition; Neoplastic Syndromes, Hereditary; Hereditary Cancer Syndrome; Hereditary neoplastic syndrome. Identifiers: Orphanet 140162, MedGen C0027672, MeSH D009386, MONDO:0015356.
Familial cancer of breast. Also called: Hereditary breast cancer; BREAST CANCER, FAMILIAL; hereditary breast carcinoma. Identifiers: Orphanet 227535, MedGen C0346153, MONDO:0016419, OMIM 114480. Disease mechanism: loss of function.
Breast-ovarian cancer, familial, susceptibility to, 2 (BROVCA2). Also called: BRCA2 Hereditary Breast and Ovarian Cancer. Identifiers: Orphanet 145, MedGen C2675520, MONDO:0012933, OMIM 612555. Disease mechanism: loss of function.
Hereditary breast ovarian cancer syndrome. Also called: Hereditary breast and ovarian cancer; Hereditary breast and ovarian cancer syndrome (HBOC); Hereditary breast and/or ovarian cancer syndrome; Hereditary breast and ovarian cancer syndrome; BRCA1- and BRCA2-Associated Hereditary Breast and Ovarian Cancer; Breast and ovarian cancer. Identifiers: Orphanet 145, MedGen C0677776, MeSH D061325, MONDO:0003582. Disease mechanism: loss of function.

Allele frequency attached by ClinVar (database versions not stated): gnomAD 0.00001; TOPMed below 0.00001.
gnomAD v4.1: 1 of 1,614,114 alleles (0.000062%); highest among the groups gnomAD compares: Non-Finnish European, 0.000085%; no homozygotes.

Submissions (7):

Center for Genomic Medicine, Rigshospitalet, Copenhagen University Hospital
Classification: Uncertain significance. Last evaluated: 2025-12-29. Review status: criteria provided, single submitter. Criteria: ACMG Guidelines, 2015. Collection method: clinical testing. Allele origin: germline.
Comment: Classification criteria: BP4

Department of Clinical Genetics, Copenhagen University Hospital, Rigshospitalet
Classification: Uncertain significance for Familial cancer of breast. Last evaluated: 2025-12-10. Review status: criteria provided, single submitter. Criteria: ACMG Guidelines, 2015. Collection method: clinical testing. Allele origin: germline.
Comment: The variant is reported once in the European (non-Finnish) population in gnomAD v.3.1 (non-cancer). Therefore can PM2_SUP not be applied. The variant was reported in 1/60,466 breast cancer cases and in 4/53,461 controls (PMID: 33471991), and is reported with a OR= 0.35 (PMID: 40413188). Functional MAVE studies have been performed with one study showing no functional effect (PMID: 39779857), while another showed an uncertain functional effect (PMID:39779848). The following ACMG criteria has been used: BP4 (missense BayesDel no-AF score ≤ 0.18 and SpliceAI ≤0.1)

Color Diagnostics, LLC DBA Color Health
Classification: Uncertain significance for Hereditary cancer-predisposing syndrome. Last evaluated: 2025-07-10. Review status: criteria provided, single submitter. Criteria: ACMG Guidelines, 2015. Collection method: clinical testing. Allele origin: germline.
Comment: This missense variant replaces asparagine with aspartic acid at codon 2706 of the BRCA2 protein. Computational prediction suggests that this variant may not impact protein structure and function. Functional studies have reported that this variant does not impact BRCA2 function in a haploid cell proliferation assay (PMID: 39779857) and has inconclusive impact in sensitivity assays to cisplatin and PARP inhibitor (PMID: 39779848). This variant has been detected in a breast cancer case-control meta-analysis in 1/60466 cases and 4/53461 unaffected individuals (PMID: 33471991Leiden Open Variation Database DB-ID BRCA2_008644). This variant has not been identified in the general population by the Genome Aggregation Database (gnomAD). The available evidence is insufficient to determine the role of this variant in disease conclusively. Therefore, this variant is classified as a Variant of Uncertain Significance.

Ambry Genetics
Classification: Uncertain significance for Hereditary cancer-predisposing syndrome. Last evaluated: 2025-02-26. Review status: criteria provided, single submitter. Criteria: Ambry Variant Classification Scheme 2023. Collection method: clinical testing. Allele origin: germline.
Comment: The p.N2706D variant (also known as c.8116A>G), located in coding exon 17 of the BRCA2 gene, results from an A to G substitution at nucleotide position 8116. The asparagine at codon 2706 is replaced by aspartic acid, an amino acid with highly similar properties. This variant was reported in 1/60,466 breast cancer cases and in 4/53,461 controls (Dorling et al. N Engl J Med. 2021 02;384:428-439). This amino acid position is poorly conserved in available vertebrate species. In addition, this alteration is predicted to be tolerated by in silico analysis. Based on the available evidence, the clinical significance of this variant remains unclear.

Labcorp Genetics (formerly Invitae), Labcorp
Classification: Uncertain significance for Hereditary breast ovarian cancer syndrome. Last evaluated: 2024-08-22. Review status: criteria provided, single submitter. Criteria: Invitae Variant Classification Sherloc (09022015). Collection method: clinical testing. Allele origin: germline.
Comment: This sequence change replaces asparagine, which is neutral and polar, with aspartic acid, which is acidic and polar, at codon 2706 of the BRCA2 protein (p.Asn2706Asp). This variant is not present in population databases (gnomAD no frequency). This variant has not been reported in the literature in individuals affected with BRCA2-related conditions. ClinVar contains an entry for this variant (Variation ID: 1427275). Invitae Evidence Modeling of protein sequence and biophysical properties (such as structural, functional, and spatial information, amino acid conservation, physicochemical variation, residue mobility, and thermodynamic stability) indicates that this missense variant is not expected to disrupt BRCA2 protein function with a negative predictive value of 95%. In summary, the available evidence is currently insufficient to determine the role of this variant in disease. Therefore, it has been classified as a Variant of Uncertain Significance.

All of Us Research Program, National Institutes of Health
Classification: Uncertain significance for Breast-ovarian cancer, familial, susceptibility to, 2. Last evaluated: 2023-11-02. Review status: criteria provided, single submitter. Criteria: ACMG Guidelines, 2015. Collection method: clinical testing. Allele origin: germline. Inheritance: Autosomal dominant inheritance. Observed: 2 variant alleles, 2 heterozygotes.
Comment: This missense variant replaces asparagine with aspartic acid at codon 2706 of the BRCA2 protein. Computational prediction suggests that this variant may not impact protein structure and function (internally defined REVEL score threshold <= 0.5, PMID: 27666373). To our knowledge, functional studies have not been reported for this variant. In a large breast cancer case-control study, this variant has been observed in 1/60466 cases and 4/53461 unaffected controls (OR=0.221; 95%CI 0.025 to 1.978; p-value=0.194; Leiden Open Variation Database DB-ID BRCA2_008644) (PMID: 33471991). This variant has not been identified in the general population by the Genome Aggregation Database (gnomAD). The available evidence is insufficient to determine the role of this variant in disease conclusively. Therefore, this variant is classified as a Variant of Uncertain Significance.

This study involves interpretation of variants in research participants for the purpose of population health screening. Participant phenotype was not available at the time of variant classification. Additional details can be found in publication PMID: 35346344, PMCID: PMC8962531

Women's Health and Genetics/Laboratory Corporation of America, LabCorp
Classification: Uncertain significance. Last evaluated: 2023-07-20. Review status: criteria provided, single submitter. Criteria: LabCorp Variant Classification Summary - May 2015. Collection method: clinical testing. Allele origin: germline.

Literature cited by the submitters: PubMed 33471991 (cited by 4 submitters); PubMed 40413188 (cited by Department of Clinical Genetics, Copenhagen University Hospital, Rigshospitalet); PubMed 39779857 (cited by Department of Clinical Genetics, Copenhagen University Hospital, Rigshospitalet and Color Diagnostics, LLC DBA Color Health); PubMed 39779848 (cited by Department of Clinical Genetics, Copenhagen University Hospital, Rigshospitalet and Color Diagnostics, LLC DBA Color Health).

NM_000059.4(BRCA2):c.8116A>G (p.Asn2706Asp)

Gene: BRCA2 (BRCA2 DNA repair associated; plus strand). Cytogenetic location: 13q13.1.
Variant type: single nucleotide variant.
Coding change: c.8116A>G on transcript NM_000059.4 (MANE Select); coding-DNA position 8116, A replaced by G.
Protein change: p.Asn2706Asp; replaces asparagine 2706 with aspartic acid.
Molecular consequence: missense variant.
Genome position (GRCh38, 1-based): chr13:32,363,318, A>G. VCF-style: chr13-32363318-A-G. GRCh37 (hg19) VCF-style: chr13-32937455-A-G.
Other names: short protein forms N2706D.
Identifiers: ClinVar variation 1427275 (VCV001427275.13), dbSNP rs1196515495, ClinGen allele CA387749371.